The following is an entry in ClinVar:

ClinVar aggregate classification (germline): Uncertain significance (1 of 4 stars; one submission).

Allele frequency attached by ClinVar (database versions not stated): gnomAD exomes 0.00001; ExAC 0.00002.
gnomAD v4.1: 4 of 1,612,234 alleles (0.00025%); highest among the groups gnomAD compares: Non-Finnish European, 0.00034%; no homozygotes.

Submission:

Labcorp Genetics (formerly Invitae), Labcorp
Classification: Uncertain significance. Last evaluated: 2022-07-11. Review status: criteria provided, single submitter. Criteria: Invitae Variant Classification Sherloc (09022015). Collection method: clinical testing. Allele origin: germline.
Comment: This sequence change replaces glycine, which is neutral and non-polar, with serine, which is neutral and polar, at codon 681 of the ADAMTS10 protein (p.Gly681Ser). This variant is present in population databases (rs781966386, gnomAD 0.0009%). This variant has not been reported in the literature in individuals affected with ADAMTS10-related conditions. Algorithms developed to predict the effect of missense changes on protein structure and function (SIFT, PolyPhen-2, Align-GVGD) all suggest that this variant is likely to be disruptive. In summary, the available evidence is currently insufficient to determine the role of this variant in disease. Therefore, it has been classified as a Variant of Uncertain Significance.

NM_030957.4(ADAMTS10):c.2041G>A (p.Gly681Ser)

Gene: ADAMTS10 (ADAM metallopeptidase with thrombospondin type 1 motif 10; minus strand). Cytogenetic location: 19p13.2.
Variant type: single nucleotide variant.
Coding change: c.2041G>A on transcript NM_030957.4 (MANE Select); coding-DNA position 2041, G replaced by A.
Protein change: p.Gly681Ser; replaces glycine 681 with serine.
Molecular consequence: missense variant.
Genome position (GRCh38, 1-based): chr19:8,589,359, C>T on the plus strand (G>A on the coding strand, the complement: ADAMTS10 is on the minus strand). VCF-style: chr19-8589359-C-T. GRCh37 (hg19) VCF-style: chr19-8654243-C-T.
Other names: c.502G>A, p.Gly168Ser (NM_001282352.2); short protein forms G681S, G168S.
Identifiers: ClinVar variation 1930010 (VCV001930010.2), dbSNP rs781966386, ClinGen allele CA9160242.
Genomic context (GRCh38, chr19:8,589,359, plus strand): 5'-CACCGCCACACACTCGGCACTTGTCCTCCCGCAGGTCGGAGCCCAGGACTCGGTCGCAGC[C>T]CACGTGCTGCGTGGAGAAGGCGTGAGTGAGGCGACCCCCTAACCCACCCCCGCTCCCCAT-3'
Protein context (NP_112219.3, residues 671-691): ICVSGECKHV[Gly681Ser]CDRVLGSDLR